The following is an entry in ClinVar:

ClinVar aggregate classification (germline): Uncertain significance (1 of 4 stars; one submission).

Conditions:
Early-infantile DEE. Also called: Early infantile epileptic encephalopathy; Ohtahara syndrome; Early infantile epileptic encephalopathy with suppression bursts. Identifiers: Orphanet 1934, MedGen C0393706, MONDO:0800491.

Allele frequency attached by ClinVar (database versions not stated): gnomAD exomes below 0.00001; TOPMed 0.00002; gnomAD 0.00001.
gnomAD v4.1: 3 of 1,613,922 alleles (0.00019%); highest among the groups gnomAD compares: Admixed American, 0.0017%; no homozygotes.

Submission:

Labcorp Genetics (formerly Invitae), Labcorp
Classification: Uncertain significance for Early-infantile DEE. Last evaluated: 2023-07-28. Review status: criteria provided, single submitter. Criteria: Invitae Variant Classification Sherloc (09022015). Collection method: clinical testing. Allele origin: germline.
Comment: Advanced modeling of protein sequence and biophysical properties (such as structural, functional, and spatial information, amino acid conservation, physicochemical variation, residue mobility, and thermodynamic stability) has been performed at Invitae for this missense variant, however the output from this modeling did not meet the statistical confidence thresholds required to predict the impact of this variant on SPTAN1 protein function. This sequence change replaces proline, which is neutral and non-polar, with histidine, which is basic and polar, at codon 2462 of the SPTAN1 protein (p.Pro2462His). This variant is not present in population databases (gnomAD no frequency). This variant has not been reported in the literature in individuals affected with SPTAN1-related conditions. In summary, the available evidence is currently insufficient to determine the role of this variant in disease. Therefore, it has been classified as a Variant of Uncertain Significance.

NM_001130438.3(SPTAN1):c.7385C>A (p.Pro2462His)

Gene: SPTAN1 (spectrin alpha, non-erythrocytic 1; plus strand). Cytogenetic location: 9q34.11.
Variant type: single nucleotide variant.
Coding change: c.7385C>A on transcript NM_001130438.3 (MANE Select); coding-DNA position 7385, C replaced by A.
Protein change: p.Pro2462His; replaces proline 2462 with histidine.
Molecular consequence: missense variant.
Genome position (GRCh38, 1-based): chr9:128,633,285, C>A. VCF-style: chr9-128633285-C-A. GRCh37 (hg19) VCF-style: chr9-131395564-C-A.
Other names: c.7310C>A, p.Pro2437His (NM_001195532.2); c.7448C>A, p.Pro2483His (NM_001363759.2); c.7325C>A, p.Pro2442His (NM_001363765.2, NM_001375314.2); c.7472C>A, p.Pro2491His (NM_001375310.1); c.7385C>A, p.Pro2462His (NM_001375311.2); c.7421C>A, p.Pro2474His (NM_001375312.2); c.7367C>A, p.Pro2456His (NM_001375313.1); c.7484C>A, p.Pro2495His (NM_001375318.1); and 1 more; short protein forms P2483H, P2442H, P2456H, P2474H, P2457H, P2495H, P2437H, P2462H.
Identifiers: ClinVar variation 3004596 (VCV003004596.3), dbSNP rs1356678215, ClinGen allele CA375103810.